The following is an entry in ClinVar:

NM_181784.3(SPRED2):c.561C>T (p.Tyr187=)

Gene: SPRED2 (sprouty related EVH1 domain containing 2; minus strand). Cytogenetic location: 2p14.
Variant type: single nucleotide variant.
Coding change: c.561C>T on transcript NM_181784.3 (MANE Select); coding-DNA position 561, C replaced by T.
Protein change: p.Tyr187=; no amino-acid change (tyrosine 187 retained).
Molecular consequence: synonymous variant.
Genome position (GRCh38, 1-based): chr2:65,316,761, G>A on the plus strand (C>T on the coding strand, the complement: SPRED2 is on the minus strand). VCF-style: chr2-65316761-G-A. GRCh37 (hg19) VCF-style: chr2-65543895-G-A.
Other names: c.552C>T, p.Tyr184= (NM_001128210.2).
Identifiers: ClinVar variation 4534364 (VCV004534364.6).

ClinVar aggregate classification (germline): Likely benign (1 of 4 stars; one submission).

gnomAD v4.1: 2 of 1,612,118 alleles (0.00012%); highest among the groups gnomAD compares: Non-Finnish European, 0.00017%; no homozygotes.

Submission:

CeGaT Center for Human Genetics Tuebingen
Classification: Likely benign. Last evaluated: 2025-10-01. Review status: criteria provided, single submitter. Criteria: CeGaT Center For Human Genetics Tuebingen Variant Classification Criteria Version 2. Collection method: clinical testing. Allele origin: germline. Affected: yes. Observed: 1 variant allele.
Comment: SPRED2: BP4, BP7